The following is an entry in ClinVar:

NM_001349278.2(ANKRD28):c.2727T>C (p.Ala909=)

Genes: ANKRD28 (ankyrin repeat domain 28; minus strand), BTD (biotinidase; plus strand). Cytogenetic location: 3p25.1.
Variant type: single nucleotide variant.
Coding change: c.2727T>C on transcript NM_001349278.2 (MANE Select); coding-DNA position 2727, T replaced by C.
Protein change: p.Ala909=; no amino-acid change (alanine 909 retained).
Molecular consequence: synonymous variant. On other transcripts: non-coding transcript variant (2), intron variant (4).
Genome position (GRCh38, 1-based): chr3:15,677,543, A>G on the plus strand (T>C on the coding strand, the complement: ANKRD28 is on the minus strand). VCF-style: chr3-15677543-A-G. GRCh37 (hg19) VCF-style: chr3-15719050-A-G.
Other names: c.2736T>C, p.Ala912= (NM_001349277.2); c.2628T>C, p.Ala876= (NM_001349279.2); c.2469T>C, p.Ala823= (NM_001349280.1, NM_001349281.2, NM_001349282.2); c.2175T>C, p.Ala725= (NM_001349283.2, NM_001195098.1, NM_001195099.2); c.2637T>C, p.Ala879= (NM_015199.4); c.1015+32612A>G (NM_001370752.1, NM_001407379.1); c.400-32856A>G (NM_001370753.1); c.400-10768A>G (NM_001407400.1).
Identifiers: ClinVar variation 5039300 (VCV005039300.1).

ClinVar aggregate classification (germline): Likely benign (1 of 4 stars; one submission).

gnomAD v4.1: 38 of 1,612,540 alleles (0.0024%); highest among the groups gnomAD compares: Middle Eastern, 0.033%; no homozygotes.

Submission:

CeGaT Center for Human Genetics Tuebingen
Classification: Likely benign. Last evaluated: 2026-07-01. Review status: criteria provided, single submitter. Criteria: CeGaT Center For Human Genetics Tuebingen Variant Classification Criteria Version 2. Collection method: clinical testing. Allele origin: germline. Affected: yes. Observed: 1 variant allele.
Comment: ANKRD28: BP4, BP7